The following is an entry in ClinVar:

NM_007294.4(BRCA1):c.3929C>T (p.Thr1310Ile)

Genes: BRCA1 (BRCA1 DNA repair associated; minus strand), LOC126862571 (BRD4-independent group 4 enhancer GRCh37_chr17:41243136-41244335; plus strand). Cytogenetic location: 17q21.31.
Variant type: single nucleotide variant.
Coding change: c.3929C>T on transcript NM_007294.4 (MANE Select); coding-DNA position 3929, C replaced by T.
Protein change: p.Thr1310Ile; replaces threonine 1310 with isoleucine.
Molecular consequence: missense variant. On other transcripts: intron variant (135).
Genome position (GRCh38, 1-based): chr17:43,091,602, G>A on the plus strand (C>T on the coding strand, the complement: BRCA1 is on the minus strand). VCF-style: chr17-43091602-G-A. GRCh37 (hg19) VCF-style: chr17-41243619-G-A.
Other names: c.644-570C>T (NM_001408468.1, NM_001408465.1, NM_001408463.1 and 3 more transcripts); c.524-570C>T (NM_001408501.1, NM_001408500.1, NM_001408497.1 and 3 more transcripts); c.647-570C>T (NM_001408455.1, NM_001408466.1, NM_001408452.1 and 11 more transcripts); c.578-570C>T (NM_001408513.1, NM_001408489.1, NM_001408479.1 and 9 more transcripts); c.521-570C>T (NM_001408503.1, NM_001408505.1, NM_001408504.1); c.788-570C>T (NM_001407973.1, NM_001408403.1, NM_001407983.1 and 17 more transcripts); c.404-570C>T (NM_001408511.1); c.461-570C>T (NM_001408507.1, NM_001408506.1); and 41 more; short protein forms T1310I, T1263I, T1142I, T1182I, T1222I, T1239I, T1240I, T1199I.
Identifiers: ClinVar variation 409324 (VCV000409324.29), dbSNP rs80357257, ClinGen allele CA059114.

ClinVar aggregate classification (germline): Conflicting classifications of pathogenicity. Review status: criteria provided, conflicting classifications (1 of 4 stars). 5 submissions from 5 submitters: Uncertain significance (4); Likely benign (1). Last evaluated 2025-07-31.

Conditions:
Hereditary cancer-predisposing syndrome. Also called: Hereditary Cancer Syndrome; Hereditary neoplastic syndrome; Neoplastic Syndromes, Hereditary; Tumor predisposition. Identifiers: Orphanet 140162, MedGen C0027672, MeSH D009386, MONDO:0015356.
Hereditary breast ovarian cancer syndrome. Also called: BRCA1- and BRCA2-Associated Hereditary Breast and Ovarian Cancer; Hereditary breast and ovarian cancer syndrome (HBOC); Hereditary breast and ovarian cancer; Hereditary breast and ovarian cancer syndrome; Breast and ovarian cancer; Hereditary breast and/or ovarian cancer syndrome. Identifiers: Orphanet 145, MedGen C0677776, MeSH D061325, MONDO:0003582. Disease mechanism: loss of function.

gnomAD v4.1: 3 of 1,614,196 alleles (0.00019%); highest among the groups gnomAD compares: East Asian, 0.0045%; no homozygotes.

Submissions (5):

Ambry Genetics
Classification: Uncertain significance for Hereditary cancer-predisposing syndrome. Last evaluated: 2025-07-31. Review status: criteria provided, single submitter. Criteria: Ambry Variant Classification Scheme 2023. Collection method: clinical testing. Allele origin: germline.
Comment: The p.T1310I variant (also known as c.3929C>T), located in coding exon 9 of the BRCA1 gene, results from a C to T substitution at nucleotide position 3929. The threonine at codon 1310 is replaced by isoleucine, an amino acid with similar properties. This amino acid position is not well conserved in available vertebrate species. In addition, the in silico prediction for this alteration is inconclusive. Since supporting evidence is limited at this time, the clinical significance of this alteration remains unclear.

University of Washington Department of Laboratory Medicine, University of Washington
Classification: Likely benign for Hereditary cancer-predisposing syndrome. Last evaluated: 2023-03-23. Review status: criteria provided, single submitter. Criteria: Dines et al. (Genet Med. 2020). Collection method: curation. Allele origin: germline.
Comment: Missense variant in a coldspot region where missense variants are very unlikely to be pathogenic (PMID:31911673).

BRCA1 coldspot (exon 11 using historical exon numbering). Reclassification based on statistical prior probability

GeneDx
Classification: Uncertain significance. Last evaluated: 2021-05-12. Review status: criteria provided, single submitter. Criteria: GeneDx Variant Classification Process June 2021. Collection method: clinical testing. Allele origin: germline. Affected: yes.
Comment: Not observed at a significant frequency in large population cohorts (Lek 2016); In silico analysis supports that this missense variant does not alter protein structure/function; Has not been previously published as pathogenic or benign to our knowledge; Also known as 4048C>T

Color Diagnostics, LLC DBA Color Health
Classification: Uncertain significance for Hereditary cancer-predisposing syndrome. Last evaluated: 2021-03-23. Review status: criteria provided, single submitter. Criteria: ACMG Guidelines, 2015. Collection method: clinical testing. Allele origin: germline.
Comment: This missense variant replaces threonine with isoleucine at codon 1310 of the BRCA1 protein. Computational prediction suggests that this variant may not impact protein structure and function (internally defined REVEL score threshold <= 0.5, PMID: 27666373). To our knowledge, functional studies have not been reported for this variant. This variant has not been reported in individuals affected with hereditary cancer in the literature. This variant has been identified in 2/251182 chromosomes in the general population by the Genome Aggregation Database (gnomAD). The available evidence is insufficient to determine the role of this variant in disease conclusively. Therefore, this variant is classified as a Variant of Uncertain Significance.

Labcorp Genetics (formerly Invitae), Labcorp
Classification: Uncertain significance for Hereditary breast ovarian cancer syndrome. Last evaluated: 2016-08-24. Review status: criteria provided, single submitter. Criteria: Invitae Variant Classification Sherloc (09022015). Collection method: clinical testing. Allele origin: germline.
Comment: In summary, this variant is a rare missense change with uncertain impact on protein function. There is no indication that it causes disease, but the available evidence is currently insufficient to prove that conclusively. Therefore, it has been classified as a Variant of Uncertain Significance. Algorithms developed to predict the effect of missense changes on protein structure and function do not agree on the potential impact of this missense change (SIFT: "Tolerated"; PolyPhen-2: "Possibly Damaging"; Align-GVGD: "Class C0"). This variant is present in population databases (rs80357257, ExAC 0.001%) but has not been reported in the literature in individuals with a BRCA1-related disease. This sequence change replaces threonine with isoleucine at codon 1310 of the BRCA1 protein (p.Thr1310Ile). The threonine residue is moderately conserved and there is a moderate physicochemical difference between threonine and isoleucine.